The following is an entry in ClinVar:

ClinVar aggregate classification (germline): Uncertain significance (1 of 4 stars; one submission).

Conditions:
Hereditary cancer-predisposing syndrome. Also called: Hereditary Cancer Syndrome; Hereditary neoplastic syndrome; Neoplastic Syndromes, Hereditary; Tumor predisposition. Identifiers: Orphanet 140162, MedGen C0027672, MeSH D009386, MONDO:0015356.

Submission:

Ambry Genetics
Classification: Uncertain significance for Hereditary cancer-predisposing syndrome. Last evaluated: 2022-03-08. Review status: criteria provided, single submitter. Criteria: Ambry Variant Classification Scheme 2023. Collection method: clinical testing. Allele origin: germline.
Comment: The p.R460L variant (also known as c.1379G>T), located in coding exon 9 of the MEN1 gene, results from a G to T substitution at nucleotide position 1379. The arginine at codon 460 is replaced by leucine, an amino acid with dissimilar properties. This amino acid position is conserved. In addition, the in silico prediction for this alteration is inconclusive. Since supporting evidence is limited at this time, the clinical significance of this alteration remains unclear.

NM_001370259.2(MEN1):c.1379G>T (p.Arg460Leu)

Gene: MEN1 (menin 1; minus strand). Cytogenetic location: 11q13.1.
Variant type: single nucleotide variant.
Coding change: c.1379G>T on transcript NM_001370259.2 (MANE Select); coding-DNA position 1379, G replaced by T.
Protein change: p.Arg460Leu; replaces arginine 460 with leucine.
Molecular consequence: missense variant.
Genome position (GRCh38, 1-based): chr11:64,804,788, C>A on the plus strand (G>T on the coding strand, the complement: MEN1 is on the minus strand). VCF-style: chr11-64804788-C-A. GRCh37 (hg19) VCF-style: chr11-64572260-C-A.
Other names: c.1394G>T, p.Arg465Leu (NM_000244.4, NM_001407145.1, NM_130800.3 and 4 more transcripts); c.1505G>T, p.Arg502Leu (NM_001370251.2, NM_001407142.1, NM_001407143.1 and 1 more transcripts); c.1379G>T, p.Arg460Leu (NM_001370260.2, NM_001370261.2, NM_001407146.1 and 2 more transcripts); c.1274G>T, p.Arg425Leu (NM_001370262.2, NM_001370263.2, NM_001407148.1 and 1 more transcripts); c.1520G>T, p.Arg507Leu (NM_001407150.1); c.1400G>T, p.Arg467Leu (NM_001407151.1); c.1214G>T, p.Arg405Leu (NM_001407152.1); short protein forms R507L, R465L, R467L, R502L, R405L, R425L, R460L.
Identifiers: ClinVar variation 1771237 (VCV001771237.2), dbSNP rs200035619, ClinGen allele CA381179790.